The following is an entry in ClinVar:

ClinVar aggregate classification (germline): Conflicting classifications of pathogenicity. Review status: criteria provided, conflicting classifications (1 of 4 stars). 10 submissions from 10 submitters: Uncertain significance (2); Benign (1); Likely benign (7). Last evaluated 2026-02-01.

Conditions:
Familial thoracic aortic aneurysm and aortic dissection (TAAD). Also called: Thoracic aortic aneurysms and dissections. Identifiers: Orphanet 91387, MedGen C4707243, MONDO:0019625.
Ehlers-Danlos syndrome, type 4 (EDSVASC). Also called: Ehlers-Danlos syndrome vascular type; Ehlers Danlos syndrome, ecchymotic type; Ehlers Danlos syndrome, arterial type; Ehlers Danlos syndrome, Sack-Barabas type; Ehlers-Danlos Syndrome Type IV. Identifiers: Orphanet 286, MedGen C0268338, MONDO:0017314, OMIM 130050.

Allele frequency attached by ClinVar (database versions not stated): gnomAD 0.00014; TOPMed 0.00015; 1000 Genomes Project 30x 0.00031; ESP Exome Variant Server 0.00031; 1000 Genomes Project 0.00040.
gnomAD v4.1: 196 of 1,614,030 alleles (0.012%); highest among the groups gnomAD compares: African/African-American, 0.0093%; no homozygotes.

Submissions (12):

Labcorp Genetics (formerly Invitae), Labcorp
Classification: Likely benign for Ehlers-Danlos syndrome, type 4. Last evaluated: 2026-02-01. Review status: criteria provided, single submitter. Criteria: Invitae Variant Classification Sherloc (09022015). Collection method: clinical testing. Allele origin: germline.

GeneDx
Classification: Uncertain significance. Last evaluated: 2025-09-05. Review status: criteria provided, single submitter. Criteria: GeneDx Variant Classification Process June 2021. Collection method: clinical testing. Allele origin: germline. Affected: yes.
Comment: Has not been published in association with connective tissue disease to our knowledge; In silico analysis supports that this missense variant has a deleterious effect on protein structure/function; Not located in the triple helical region, where the majority of pathogenic missense variants occur (HGMD); This variant is associated with the following publications: (PMID: 25356970, 20518783, 23688910, 11577371, 30379966, 28742248, 25758994, 26666608, 24922459, 21637106, 19455184, 10706896, 9557891, 27153395, 9712532, 7833919)

Mayo Clinic Laboratories, Mayo Clinic
Classification: Likely benign. Last evaluated: 2025-08-07. Review status: criteria provided, single submitter. Criteria: ACMG Guidelines, 2015. Collection method: clinical testing. Allele origin: germline. Observed: 2 variant alleles.
Comment: BS1

CeGaT Center for Human Genetics Tuebingen
Classification: Likely benign. Last evaluated: 2025-06-01. Review status: criteria provided, single submitter. Criteria: CeGaT Center For Human Genetics Tuebingen Variant Classification Criteria Version 2. Collection method: clinical testing. Allele origin: germline. Affected: yes. Observed: 6 variant alleles.
Comment: COL3A1: BP4, BS2

Color Diagnostics, LLC DBA Color Health
Classification: Likely benign for Familial thoracic aortic aneurysm and aortic dissection. Last evaluated: 2024-02-21. Review status: criteria provided, single submitter. Criteria: ACMG Guidelines, 2015. Collection method: clinical testing. Allele origin: germline.

ARUP Laboratories, Molecular Genetics and Genomics, ARUP Laboratories
Classification: Likely benign. Last evaluated: 2023-12-12. Review status: criteria provided, single submitter. Criteria: ARUP Molecular Germline Variant Investigation Process 2024. Collection method: clinical testing. Allele origin: germline.

Ambry Genetics
Classification: Likely benign for Familial thoracic aortic aneurysm and aortic dissection. Last evaluated: 2022-09-27. Review status: criteria provided, single submitter. Criteria: Ambry Variant Classification Scheme 2023. Collection method: clinical testing. Allele origin: germline.

Women's Health and Genetics/Laboratory Corporation of America, LabCorp
Classification: Likely benign. Last evaluated: 2022-03-29. Review status: criteria provided, single submitter. Criteria: LabCorp Variant Classification Summary - May 2015. Collection method: clinical testing. Allele origin: germline.
Comment: Variant summary: COL3A1 c.4021G>A (p.Gly1341Ser) results in a non-conservative amino acid change located in the Fibrillar collagen, C-terminal domain (IPR000885) of the encoded protein sequence. Four of five in-silico tools predict a damaging effect of the variant on protein function. The variant allele was found at a frequency of 0.00023 in 251334 control chromosomes (gnomAD). The observed variant frequency is approximately 181-fold of the estimated maximal expected allele frequency for a pathogenic variant in COL3A1 causing Aortopathy phenotype (1.3e-06), strongly suggesting that the variant is benign. c.4021G>A has been reported in the literature in individuals affected with bipolar disorder (Maaser_2018) or hereditary cancer (Maxwell_2016). These reports do not provide unequivocal conclusions about association of the variant with Aortopathy. To our knowledge, no experimental evidence demonstrating an impact on protein function has been reported. Five ClinVar submitters have assessed the variant since 2014: two classified the variant as of uncertain significance, two as likely benign, and one as benign. Based on the evidence outlined above, the variant was classified as likely benign.

Illumina Laboratory Services, Illumina
Classification: Benign for Ehlers-Danlos syndrome, type 4. Last evaluated: 2018-01-13. Review status: criteria provided, single submitter. Criteria: ICSL Variant Classification Criteria 13 December 2019. Collection method: clinical testing. Allele origin: germline.
Comment: This variant was observed in the ICSL laboratory as part of a predisposition screen in an ostensibly healthy population. It had not been previously curated by ICSL or reported in the Human Gene Mutation Database (HGMD: prior to June 1st, 2018), and was therefore a candidate for classification through an automated scoring system. Utilizing variant allele frequency, disease prevalence and penetrance estimates, and inheritance mode, an automated score was calculated to assess if this variant is too frequent to cause the disease. Based on the score and internal cut-off values, a variant classified as benign is not then subjected to further curation. The score for this variant resulted in a classification of benign for this disease.

Eurofins Ntd Llc (ga)
Classification: Uncertain significance. Last evaluated: 2017-01-05. Review status: criteria provided, single submitter. Criteria: EGL Classification Definitions 2015. Collection method: clinical testing. Allele origin: germline. Observed: 1 variant allele, 1 heterozygote.

Dr. Peter K. Rogan Lab, Western University
No classification provided (evidence only). Condition: Ovarian serous cystadenocarcinoma. Review status: no classification provided. Collection method: in vitro. Allele origin: not applicable. Functional consequence: retained intron. Not counted in ClinVar's aggregate classification.

Dr. Peter K. Rogan Lab, Western University
No classification provided (evidence only). Condition: Ovarian serous cystadenocarcinoma. Review status: no classification provided. Collection method: in vitro. Allele origin: not applicable. Functional consequence: retained intron. Not counted in ClinVar's aggregate classification.

Literature cited by the submitters: PubMed 27153395 (cited by Ambry Genetics and Women's Health and Genetics/Laboratory Corporation of America, LabCorp); PubMed 30379966 (cited by Ambry Genetics and Women's Health and Genetics/Laboratory Corporation of America, LabCorp).

NM_000090.4(COL3A1):c.4021G>A (p.Gly1341Ser)

Gene: COL3A1 (collagen type III alpha 1 chain; plus strand). Cytogenetic location: 2q32.2.
Variant type: single nucleotide variant.
Coding change: c.4021G>A on transcript NM_000090.4 (MANE Select); coding-DNA position 4021, G replaced by A.
Protein change: p.Gly1341Ser; replaces glycine 1341 with serine.
Molecular consequence: missense variant.
Genome position (GRCh38, 1-based): chr2:189,010,657, G>A. VCF-style: chr2-189010657-G-A. GRCh37 (hg19) VCF-style: chr2-189875383-G-A.
Other names: p.G1341S:GGC>AGC; p.Gly1341Ser; short protein forms G1341S.
Identifiers: ClinVar variation 199746 (VCV000199746.67), dbSNP rs140646380, ClinGen allele CA006782.